The following is an entry in ClinVar:

NM_015046.7(SETX):c.4890dup (p.Ile1631fs)

Gene: SETX (senataxin; minus strand). Cytogenetic location: 9q34.13.
Variant type: Duplication.
Coding change: c.4890dup on transcript NM_015046.7 (MANE Select); coding-DNA position 4890, one base duplicated (G; older notation c.4890dupG).
Protein change: p.Ile1631fs; shifts the reading frame from isoleucine 1631.
Molecular consequence: frameshift variant.
Genome position (GRCh38, 1-based): chr9:132,326,708, C duplicated on the plus strand (G on the coding strand, the reverse complement: SETX is on the minus strand); the first of 4 consecutive C bases (chr9:132,326,708-132,326,711); duplicating any one gives the same sequence. VCF-style (leftmost placement, unchanged base first): chr9-132326707-T-TC. GRCh37 (hg19) VCF-style: chr9-135202094-T-TC.
Other names: c.4890dup, p.Ile1631fs (NM_001351527.2, NM_001351528.2); short protein forms I1631fs.
Identifiers: ClinVar variation 2159109 (VCV002159109.4), dbSNP rs757883779, ClinGen allele CA860643912.

ClinVar aggregate classification (germline): Pathogenic (1 of 4 stars; one submission).

Conditions:
Amyotrophic lateral sclerosis type 4 (ALS4). Also called: AMYOTROPHIC LATERAL SCLEROSIS 4, JUVENILE; NEURONOPATHY, DISTAL HEREDITARY MOTOR, WITH PYRAMIDAL FEATURES. Identifiers: Orphanet 357043, MedGen C1865409, MONDO:0011223, OMIM 602433.
Spinocerebellar ataxia, autosomal recessive, with axonal neuropathy 2 (SCAN2). Also called: Ataxia with Oculomotor Apraxia; Ataxia with Oculomotor Apraxia Type 2; Ataxia-ocular apraxia-2; ATAXIA-OCULOMOTOR APRAXIA 2. Identifiers: Orphanet 64753, MedGen C1853761, MONDO:0018996, OMIM 606002.

Submission:

Labcorp Genetics (formerly Invitae), Labcorp
Classification: Pathogenic for Amyotrophic lateral sclerosis type 4; Spinocerebellar ataxia, autosomal recessive, with axonal neuropathy 2. Last evaluated: 2022-09-14. Review status: criteria provided, single submitter. Criteria: Invitae Variant Classification Sherloc (09022015). Collection method: clinical testing. Allele origin: germline.
Comment: For these reasons, this variant has been classified as Pathogenic. This variant has not been reported in the literature in individuals affected with SETX-related conditions. This variant is not present in population databases (gnomAD no frequency). This sequence change creates a premature translational stop signal (p.Ile1631Aspfs*21) in the SETX gene. It is expected to result in an absent or disrupted protein product. Loss-of-function variants in SETX are known to be pathogenic (PMID: 14770181).

Literature cited by the submitters: PubMed 14770181.